The following is an entry in ClinVar:

NM_000059.4(BRCA2):c.5701del (p.Glu1901fs)

Gene: BRCA2 (BRCA2 DNA repair associated; plus strand). Cytogenetic location: 13q13.1.
Variant type: Deletion.
Coding change: c.5701del on transcript NM_000059.4 (MANE Select); coding-DNA position 5701, one base deleted (G; older notation c.5701delG).
Protein change: p.Glu1901fs; shifts the reading frame from glutamic acid 1901.
Molecular consequence: frameshift variant.
Genome position (GRCh38, 1-based): chr13:32,340,056, G deleted. VCF-style (leftmost placement, unchanged base first): chr13-32340055-AG-A. GRCh37 (hg19) VCF-style: chr13-32914192-AG-A.
Other names: c.5701delG, p.Glu1901Argfs (NM_001406719.1, NM_001406720.1); short protein forms E1901fs.
Identifiers: ClinVar variation 2070412 (VCV002070412.4), dbSNP rs2548531525, ClinGen allele CA2580087639.

ClinVar aggregate classification (germline): Pathogenic (1 of 4 stars; one submission).

Conditions:
Hereditary breast ovarian cancer syndrome. Also called: BRCA1- and BRCA2-Associated Hereditary Breast and Ovarian Cancer; Hereditary breast and/or ovarian cancer syndrome; Hereditary breast and ovarian cancer syndrome; Hereditary breast and ovarian cancer syndrome (HBOC); Breast and ovarian cancer; Hereditary breast and ovarian cancer. Identifiers: Orphanet 145, MedGen C0677776, MeSH D061325, MONDO:0003582. Disease mechanism: loss of function.

Submission:

Labcorp Genetics (formerly Invitae), Labcorp
Classification: Pathogenic for Hereditary breast ovarian cancer syndrome. Last evaluated: 2022-01-02. Review status: criteria provided, single submitter. Criteria: Invitae Variant Classification Sherloc (09022015). Collection method: clinical testing. Allele origin: germline.
Comment: For these reasons, this variant has been classified as Pathogenic. This variant has not been reported in the literature in individuals affected with BRCA2-related conditions. This variant is not present in population databases (gnomAD no frequency). This sequence change creates a premature translational stop signal (p.Glu1901Argfs*8) in the BRCA2 gene. It is expected to result in an absent or disrupted protein product. Loss-of-function variants in BRCA2 are known to be pathogenic (PMID: 20104584).

Literature cited by the submitters: PubMed 20104584.